The following is an entry in ClinVar:

ClinVar aggregate classification (germline): Conflicting classifications of pathogenicity. Review status: criteria provided, conflicting classifications (1 of 4 stars). 5 submissions from 5 submitters: Uncertain significance (4); Likely benign (1). Last evaluated 2026-03-02.

Conditions:
Neuropathy, hereditary sensory and autonomic, type 2A (HSAN2A). Also called: MORVAN DISEASE; NEUROPATHY, CONGENITAL SENSORY; NEUROPATHY, HEREDITARY SENSORY RADICULAR, AUTOSOMAL RECESSIVE; NEUROPATHY, HEREDITARY SENSORY, TYPE IIA; NEUROPATHY, PROGRESSIVE SENSORY, OF CHILDREN; WNK1-Related HSAN2 (HSAN2A). Identifiers: Orphanet 970, MedGen C2752089, MONDO:0024309, OMIM 201300.
Generalized epilepsy with febrile seizures plus, type 7 (GEFSP7). Also called: GEFS+, TYPE 7. Identifiers: Orphanet 36387, MedGen C2751778, MONDO:0013470, OMIM 613863.

Allele frequency attached by ClinVar (database versions not stated): gnomAD exomes 0.00009; ExAC 0.00023; TOPMed 0.00006.
gnomAD v4.1: 260 of 1,592,054 alleles (0.016%); highest among the groups gnomAD compares: Non-Finnish European, 0.022%; no homozygotes.

Submissions (5):

Women's Health and Genetics/Laboratory Corporation of America, LabCorp
Classification: Uncertain significance. Last evaluated: 2026-03-02. Review status: criteria provided, single submitter. Criteria: LabCorp Variant Classification Summary - May 2015. Collection method: clinical testing. Allele origin: germline.
Comment: Variant summary: SCN9A c.4272T>G (p.Ile1424Met) results in a conservative amino acid change in the encoded protein sequence. Algorithms developed to predict the effect of missense changes on protein structure and function are either unavailable or do not agree on the potential impact of this missense change. The variant allele was found at a frequency of 8.8e-05 in 228160 control chromosomes. This frequency is not significantly higher than estimated for disease-causing variants in SCN9A, allowing no conclusion about variant significance. c.4272T>G has been observed in the presumed heterozygous state in at least 1 individual(s) affected with clinical features of SCN9A-related small fiber neuropathy, without strong evidence for causality (example, Schliga_2024). These report(s) do not provide unequivocal conclusions about association of the variant with SCN9A-related conditions. To our knowledge, no experimental evidence demonstrating an impact on protein function has been reported. The following publication has been ascertained in the context of this evaluation (PMID: 38211845). ClinVar contains an entry for this variant (Variation ID: 538440). Based on the evidence outlined above, the variant was classified as uncertain significance.

Labcorp Genetics (formerly Invitae), Labcorp
Classification: Likely benign for Neuropathy, hereditary sensory and autonomic, type 2A; Generalized epilepsy with febrile seizures plus, type 7. Last evaluated: 2025-12-10. Review status: criteria provided, single submitter. Criteria: Invitae Variant Classification Sherloc (09022015). Collection method: clinical testing. Allele origin: germline.

Mayo Clinic Laboratories, Mayo Clinic
Classification: Uncertain significance. Last evaluated: 2025-11-25. Review status: criteria provided, single submitter. Criteria: ACMG Guidelines, 2015. Collection method: clinical testing. Allele origin: germline. Observed: 3 variant alleles.

CeGaT Center for Human Genetics Tuebingen
Classification: Uncertain significance. Last evaluated: 2024-01-01. Review status: criteria provided, single submitter. Criteria: CeGaT Center For Human Genetics Tuebingen Variant Classification Criteria Version 2. Collection method: clinical testing. Allele origin: germline. Affected: yes. Observed: 2 variant alleles.

Blueprint Genetics
Classification: Uncertain significance. Last evaluated: 2021-09-23. Review status: criteria provided, single submitter. Criteria: ACMG Guidelines, 2015. Collection method: clinical testing. Allele origin: germline.

Literature cited by the submitters: PubMed 38211845 (cited by Women's Health and Genetics/Laboratory Corporation of America, LabCorp); PubMed 40408223 (cited by Mayo Clinic Laboratories, Mayo Clinic).

NM_001365536.1(SCN9A):c.4305T>G (p.Ile1435Met)

Genes: SCN1A-AS1 (SCN1A and SCN9A antisense RNA 1; plus strand), SCN9A (sodium voltage-gated channel alpha subunit 9; minus strand). Cytogenetic location: 2q24.3.
Variant type: single nucleotide variant.
Coding change: c.4305T>G on transcript NM_001365536.1 (MANE Select); coding-DNA position 4305, T replaced by G.
Protein change: p.Ile1435Met; replaces isoleucine 1435 with methionine.
Molecular consequence: missense variant.
Genome position (GRCh38, 1-based): chr2:166,226,660, A>C on the plus strand (T>G on the coding strand, the complement: SCN9A is on the minus strand). VCF-style: chr2-166226660-A-C. GRCh37 (hg19) VCF-style: chr2-167083170-A-C.
Other names: p.Ile1424Met; c.4272T>G, p.Ile1424Met (NM_002977.4); short protein forms I1424M, I1435M.
Identifiers: ClinVar variation 538440 (VCV000538440.45), dbSNP rs200479892, ClinGen allele CA1943897.